The following is an entry in ClinVar:

NM_000384.3(APOB):c.442G>A (p.Asp148Asn)

Gene: APOB (apolipoprotein B; minus strand). Cytogenetic location: 2p24.1.
Variant type: single nucleotide variant.
Coding change: c.442G>A on transcript NM_000384.3 (MANE Select); coding-DNA position 442, G replaced by A.
Protein change: p.Asp148Asn; replaces aspartic acid 148 with asparagine.
Molecular consequence: missense variant.
Genome position (GRCh38, 1-based): chr2:21,038,053, C>T on the plus strand (G>A on the coding strand, the complement: APOB is on the minus strand). VCF-style: chr2-21038053-C-T. GRCh37 (hg19) VCF-style: chr2-21260925-C-T.
Other names: short protein forms D148N.
Identifiers: ClinVar variation 2618326 (VCV002618326.4), dbSNP rs757289663, ClinGen allele CA060988.
Genomic context (GRCh38, chr2:21,038,053, plus strand): 5'-GGGGAACCAGGAGGGCAGAAATGATGCCCCTCTTGATGTTCAGGATGTAAGTAGGTTCAT[C>T]TTTCTCCGGGTAAAGGAAAACCTGCTTCCCTTCTGGAATGGCCAGCTTGAGCTCATACCT-3'
Protein context (NP_000375.3, residues 138-158): GKQVFLYPEK[Asp148Asn]EPTYILNIKR

ClinVar aggregate classification (germline): Uncertain significance. Review status: criteria provided, multiple submitters, no conflicts (2 of 4 stars). 2 submissions from 2 submitters: Uncertain significance (2). Last evaluated 2026-05-09.

Conditions:
Cardiovascular phenotype. Identifiers: MedGen CN230736.

Allele frequency attached by ClinVar (database versions not stated): gnomAD exomes below 0.00001; TOPMed below 0.00001; ExAC 0.00001; gnomAD 0.00001.
gnomAD v4.1: 2 of 1,614,092 alleles (0.00012%); highest among the groups gnomAD compares: Non-Finnish European, 0.00017%; no homozygotes.

Submissions (2):

GeneDx
Classification: Uncertain significance. Last evaluated: 2026-05-09. Review status: criteria provided, single submitter. Criteria: GeneDx Variant Classification Process June 2021. Collection method: clinical testing. Allele origin: germline.
Comment: Not observed at significant frequency in large population cohorts (gnomAD); In silico analysis supports that this missense variant has a deleterious effect on protein structure/function; Has not been previously published as pathogenic or benign to our knowledge

Ambry Genetics
Classification: Uncertain significance for Cardiovascular phenotype. Last evaluated: 2023-08-14. Review status: criteria provided, single submitter. Criteria: Ambry Variant Classification Scheme 2023. Collection method: clinical testing. Allele origin: germline.